The following is an entry in ClinVar:

NM_000350.3(ABCA4):c.4703T>G (p.Val1568Gly)

Genes: ABCA4 (ATP binding cassette subfamily A member 4; minus strand), LOC126805793 (CDK7 strongly-dependent group 2 enhancer GRCh37_chr1:94486302-94487501; plus strand). Cytogenetic location: 1p22.1.
Variant type: single nucleotide variant.
Coding change: c.4703T>G on transcript NM_000350.3 (MANE Select); coding-DNA position 4703, T replaced by G.
Protein change: p.Val1568Gly; replaces valine 1568 with glycine.
Molecular consequence: missense variant.
Genome position (GRCh38, 1-based): chr1:94,021,916, A>C on the plus strand (T>G on the coding strand, the complement: ABCA4 is on the minus strand). VCF-style: chr1-94021916-A-C. GRCh37 (hg19) VCF-style: chr1-94487472-A-C.
Other names: c.4481T>G, p.Val1494Gly (NM_001425324.1); short protein forms V1494G, V1568G.
Identifiers: ClinVar variation 2881638 (VCV002881638.3), dbSNP rs1416704262, ClinGen allele CA341283979.
Genomic context (GRCh38, chr1:94,021,916, plus strand): 5'-TTCATGATCCGGCCAAGGTCGCTTAAAAACCCAACAAGTGCTTCCCCCGTGATGGGGACG[A>C]CTGGGAGCTTTCCTCCAATGGAAATTCCTCCATACCTGACAAGGAAACAGGAAATCCTCA-3'
Protein context (NP_000341.2, residues 1558-1578): GGISIGGKLP[Val1568Gly]VPITGEALVG

ClinVar aggregate classification (germline): Uncertain significance (1 of 4 stars; one submission).

gnomAD v4.1: 1 of 1,614,224 alleles (0.000062%); highest among the groups gnomAD compares: Non-Finnish European, 0.000085%; no homozygotes.

Submission:

Labcorp Genetics (formerly Invitae), Labcorp
Classification: Uncertain significance. Last evaluated: 2023-12-10. Review status: criteria provided, single submitter. Criteria: Invitae Variant Classification Sherloc (09022015). Collection method: clinical testing. Allele origin: germline.
Comment: This sequence change replaces valine, which is neutral and non-polar, with glycine, which is neutral and non-polar, at codon 1568 of the ABCA4 protein (p.Val1568Gly). This variant is present in population databases (no rsID available, gnomAD 0.0009%). This variant has not been reported in the literature in individuals affected with ABCA4-related conditions. Algorithms developed to predict the effect of missense changes on protein structure and function output the following: SIFT: "Not Available"; PolyPhen-2: "Benign"; Align-GVGD: "Not Available". The glycine amino acid residue is found in multiple mammalian species, which suggests that this missense change does not adversely affect protein function. In summary, the available evidence is currently insufficient to determine the role of this variant in disease. Therefore, it has been classified as a Variant of Uncertain Significance.